The following is an entry in ClinVar:

ClinVar aggregate classification (germline): Likely pathogenic (1 of 4 stars; one submission).

Conditions:
Epidermolysis bullosa dystrophica. Also called: Dystrophic epidermolysis bullosa, Hallopeau-Siemens type (formerly); Dystrophic epidermolysis bullosa. Identifiers: Orphanet 303, MedGen C0079294, MONDO:0006543.

Submission:

Natera, Inc.
Classification: Likely pathogenic for Dystrophic epidermolysis bullosa. Last evaluated: 2025-07-13. Review status: criteria provided, single submitter. Criteria: Natera Variant Classification Schema (03/2026). Collection method: clinical testing. Allele origin: germline.
Comment: The c.3124_3125del variant in COL7A1 is a frameshift variant predicted to shift the reading frame beginning at codon 1042 and leads to a stop codon 71 codons downstream. This variant is expected to result in nonsense mediated decay, truncation, or a dysfunctional protein product. This variant is rare in the general population with a frequency below the threshold expected for the associated phenotype(s). Given the available evidence, this variant is classified as Likely Pathogenic.

NM_000094.4(COL7A1):c.3124_3125del (p.Val1042fs)

Gene: COL7A1 (collagen type VII alpha 1 chain; minus strand). Cytogenetic location: 3p21.31.
Variant type: Deletion.
Coding change: c.3124_3125del on transcript NM_000094.4 (MANE Select); coding-DNA positions 3124 to 3125, 2 bases deleted (GT; older notation c.3124_3125delGT).
Protein change: p.Val1042fs; shifts the reading frame from valine 1042.
Molecular consequence: frameshift variant.
Genome position (GRCh38, 1-based): chr3:48,587,204-48,587,205, AC deleted on the plus strand (GT on the coding strand, the reverse complement: COL7A1 is on the minus strand); deleting any 2 consecutive bases within chr3:48,587,204-48,587,206 gives the same sequence; the c. name uses the placement nearest the transcript's 3' end. VCF-style (leftmost placement, unchanged base first): chr3-48587203-GAC-G. GRCh37 (hg19) VCF-style: chr3-48624636-GAC-G.
Other names: c.3123_3124delTG, p.Val1042Hisfs (NM_000094.3); short protein forms V1042fs.
Identifiers: ClinVar variation 4817367 (VCV004817367.1).